The following is an entry in ClinVar:

NM_138395.4(MARS2):c.86A>T (p.Tyr29Phe)

Gene: MARS2 (methionyl-tRNA synthetase 2, mitochondrial; plus strand). Cytogenetic location: 2q33.1.
Variant type: single nucleotide variant.
Coding change: c.86A>T on transcript NM_138395.4 (MANE Select); coding-DNA position 86, A replaced by T.
Protein change: p.Tyr29Phe; replaces tyrosine 29 with phenylalanine.
Molecular consequence: missense variant.
Genome position (GRCh38, 1-based): chr2:197,705,491, A>T. VCF-style: chr2-197705491-A-T. GRCh37 (hg19) VCF-style: chr2-198570215-A-T.
Other names: short protein forms Y29F.
Identifiers: ClinVar variation 3870637 (VCV003870637.2).

ClinVar aggregate classification (germline): Uncertain significance. Review status: criteria provided, multiple submitters, no conflicts (2 of 4 stars). 2 submissions from 2 submitters: Uncertain significance (2). Last evaluated 2025-07-29.

Submissions (2):

Labcorp Genetics (formerly Invitae), Labcorp
Classification: Uncertain significance. Last evaluated: 2025-07-29. Review status: criteria provided, single submitter. Criteria: Invitae Variant Classification Sherloc (09022015). Collection method: clinical testing. Allele origin: germline.
Comment: This sequence change replaces tyrosine, which is neutral and polar, with phenylalanine, which is neutral and non-polar, at codon 29 of the MARS2 protein (p.Tyr29Phe). This variant is present in population databases (no rsID available, gnomAD 0.02%). This variant has not been reported in the literature in individuals affected with MARS2-related conditions. ClinVar contains an entry for this variant (Variation ID: 3870637). An algorithm developed to predict the effect of missense changes on protein structure and function outputs the following: PolyPhen-2: "Benign". The phenylalanine amino acid residue is found in multiple mammalian species, which suggests that this missense change does not adversely affect protein function. In summary, the available evidence is currently insufficient to determine the role of this variant in disease. Therefore, it has been classified as a Variant of Uncertain Significance.

Ambry Genetics
Classification: Uncertain significance. Last evaluated: 2025-02-08. Review status: criteria provided, single submitter. Criteria: Ambry Variant Classification Scheme 2023. Collection method: clinical testing. Allele origin: germline.